The following is an entry in ClinVar:

ClinVar aggregate classification (germline): Uncertain significance (1 of 4 stars; one submission).

Submission:

Ambry Genetics
Classification: Uncertain significance. Last evaluated: 2026-01-15. Review status: criteria provided, single submitter. Criteria: Ambry Variant Classification Scheme 2023. Collection method: clinical testing. Allele origin: germline.
Comment: The p.D235A variant (also known as c.704A>C), located in coding exon 1 of the CDK12 gene, results from an A to C substitution at nucleotide position 704. The aspartic acid at codon 235 is replaced by alanine, an amino acid with dissimilar properties. This amino acid position is conserved. In addition, this alteration is predicted to be tolerated by in silico analysis. Based on the available evidence, the clinical significance of this variant remains unclear.

NM_016507.4(CDK12):c.704A>C (p.Asp235Ala)

Genes: CDK12 (cyclin dependent kinase 12; plus strand), LOC126862553 (CDK7 strongly-dependent group 2 enhancer GRCh37_chr17:37618166-37619365; plus strand). Cytogenetic location: 17q12.
Variant type: single nucleotide variant.
Coding change: c.704A>C on transcript NM_016507.4 (MANE Select); coding-DNA position 704, A replaced by C.
Protein change: p.Asp235Ala; replaces aspartic acid 235 with alanine.
Molecular consequence: missense variant.
Genome position (GRCh38, 1-based): chr17:39,462,775, A>C. VCF-style: chr17-39462775-A-C. GRCh37 (hg19) VCF-style: chr17-37619028-A-C.
Other names: c.704A>C, p.Asp235Ala (NM_015083.4); short protein forms D235A.
Identifiers: ClinVar variation 4844468 (VCV004844468.1).